The following is an entry in ClinVar:

NM_001081.4(CUBN):c.10390C>G (p.Pro3464Ala)

Gene: CUBN (cubilin; minus strand). Cytogenetic location: 10p13.
Variant type: single nucleotide variant.
Coding change: c.10390C>G on transcript NM_001081.4 (MANE Select); coding-DNA position 10390, C replaced by G.
Protein change: p.Pro3464Ala; replaces proline 3464 with alanine.
Molecular consequence: missense variant.
Genome position (GRCh38, 1-based): chr10:16,831,390, G>C on the plus strand (C>G on the coding strand, the complement: CUBN is on the minus strand). VCF-style: chr10-16831390-G-C. GRCh37 (hg19) VCF-style: chr10-16873389-G-C.
Other names: short protein forms P3464A.
Identifiers: ClinVar variation 3256867 (VCV003256867.1).

ClinVar aggregate classification (germline): Uncertain significance (1 of 4 stars; one submission).

Conditions:
Proteinuria, chronic benign. Identifiers: MedGen C5394384, MONDO:0030042, OMIM 618884.

gnomAD v4.1: 1 of 1,614,006 alleles (0.000062%); no homozygotes.

Submission:

MVZ Medizinische Genetik Mainz
Classification: Uncertain significance for Proteinuria, chronic benign. Last evaluated: 2024-06-17. Review status: criteria provided, single submitter. Criteria: UK Practice Guidelines For Variant Classification V4 01 2020. Collection method: clinical testing. Allele origin: germline. Inheritance: Autosomal recessive inheritance. Affected: yes. Observed: 1 variant allele.
Comment: ACMG Criteria: PM1_SUP,PM2_SUP,PM3_SUP